The following is an entry in ClinVar:

NM_001040716.2(PC):c.1980del (p.Phe660fs)

Gene: PC (pyruvate carboxylase; minus strand). Cytogenetic location: 11q13.2.
Variant type: Deletion.
Coding change: c.1980del on transcript NM_001040716.2 (MANE Select); coding-DNA position 1980, one base deleted (C; older notation c.1980delC).
Protein change: p.Phe660fs; shifts the reading frame from phenylalanine 660.
Molecular consequence: frameshift variant.
Genome position (GRCh38, 1-based): chr11:66,851,792, G deleted on the plus strand (C on the coding strand, the reverse complement: PC is on the minus strand). VCF-style (leftmost placement, unchanged base first): chr11-66851791-TG-T. GRCh37 (hg19) VCF-style: chr11-66619262-TG-T.
Other names: c.1980del, p.Phe660fs (NM_000920.4, NM_022172.3); short protein forms F660fs.
Identifiers: ClinVar variation 2677476 (VCV002677476.3), dbSNP rs2495468895, ClinGen allele CA2695198913.

ClinVar aggregate classification (germline): Pathogenic/Likely pathogenic. Review status: criteria provided, multiple submitters, no conflicts (2 of 4 stars). 2 submissions from 2 submitters: Pathogenic (1); Likely pathogenic (1). Last evaluated 2024-01-08.

Conditions:
Pyruvate carboxylase deficiency. Also called: ATAXIA WITH LACTIC ACIDOSIS II; LEIGH NECROTIZING ENCEPHALOPATHY DUE TO PYRUVATE CARBOXYLASE DEFICIENCY; LEIGH SYNDROME DUE TO PYRUVATE CARBOXYLASE DEFICIENCY; PC DEFICIENCY; Pyruvate Carboxylase Deficiency Disease. Identifiers: Orphanet 3008, MedGen C0034341, MONDO:0009949, OMIM 266150.

Submissions (2):

Labcorp Genetics (formerly Invitae), Labcorp
Classification: Pathogenic for Pyruvate carboxylase deficiency. Last evaluated: 2024-01-08. Review status: criteria provided, single submitter. Criteria: Invitae Variant Classification Sherloc (09022015). Collection method: clinical testing. Allele origin: germline.
Comment: This sequence change creates a premature translational stop signal (p.Phe660Leufs*88) in the PC gene. It is expected to result in an absent or disrupted protein product. Loss-of-function variants in PC are known to be pathogenic (PMID: 12112657, 19306334). This variant is not present in population databases (gnomAD no frequency). This variant has not been reported in the literature in individuals affected with PC-related conditions. For these reasons, this variant has been classified as Pathogenic.

Baylor Genetics
Classification: Likely pathogenic for Pyruvate carboxylase deficiency. Last evaluated: 2023-06-05. Review status: criteria provided, single submitter. Criteria: ACMG Guidelines, 2015. Collection method: clinical testing. Allele origin: unknown.

Literature cited by the submitters: PubMed 12112657 (cited by Labcorp Genetics (formerly Invitae), Labcorp); PubMed 19306334 (cited by Labcorp Genetics (formerly Invitae), Labcorp).